The following is an entry in ClinVar:

ClinVar aggregate classification (germline): Uncertain significance (1 of 4 stars; one submission).

Conditions:
Severe combined immunodeficiency due to DNA-PKcs deficiency. Also called: Immunodeficiency 26 with or without neurologic abnormalities; IMMUNODEFICIENCY 26 WITH NEUROLOGIC ABNORMALITIES. Identifiers: Orphanet 317425, MedGen C4014833, MONDO:0014423, OMIM 615966.

Submission:

Labcorp Genetics (formerly Invitae), Labcorp
Classification: Uncertain significance for Severe combined immunodeficiency due to DNA-PKcs deficiency. Last evaluated: 2022-07-19. Review status: criteria provided, single submitter. Criteria: Invitae Variant Classification Sherloc (09022015). Collection method: clinical testing. Allele origin: germline.
Comment: ClinVar contains an entry for this variant (Variation ID: 1347693). This variant has not been reported in the literature in individuals affected with PRKDC-related conditions. This variant is not present in population databases (gnomAD no frequency). Experimental studies and prediction algorithms are not available or were not evaluated, and the functional significance of this variant is currently unknown. In summary, the available evidence is currently insufficient to determine the role of this variant in disease. Therefore, it has been classified as a Variant of Uncertain Significance. This sequence change replaces glutamic acid, which is acidic and polar, with alanine, which is neutral and non-polar, at codon 4122 of the PRKDC protein (p.Glu4122Ala).

NM_006904.7(PRKDC):c.12365A>C (p.Glu4122Ala)

Gene: PRKDC (protein kinase, DNA-activated, catalytic subunit; minus strand). Cytogenetic location: 8q11.21.
Variant type: single nucleotide variant.
Coding change: c.12365A>C on transcript NM_006904.7 (MANE Select); coding-DNA position 12365, A replaced by C.
Protein change: p.Glu4122Ala; replaces glutamic acid 4122 with alanine.
Molecular consequence: missense variant.
Genome position (GRCh38, 1-based): chr8:47,774,195, T>G on the plus strand (A>C on the coding strand, the complement: PRKDC is on the minus strand). VCF-style: chr8-47774195-T-G. GRCh37 (hg19) VCF-style: chr8-48686756-T-G.
Other names: c.12272A>C, p.Glu4091Ala (NM_001081640.2); short protein forms E4122A, E4091A.
Identifiers: ClinVar variation 1347693 (VCV001347693.6), dbSNP rs2154497169, ClinGen allele CA371126482.